The following is an entry in ClinVar:

NM_001290060.2(SEMA3B):c.516C>T (p.Pro172=)

Gene: SEMA3B (semaphorin 3B; plus strand). Cytogenetic location: 3p21.31.
Variant type: single nucleotide variant.
Coding change: c.516C>T on transcript NM_001290060.2 (MANE Select); coding-DNA position 516, C replaced by T.
Protein change: p.Pro172=; no amino-acid change (proline 172 retained).
Molecular consequence: synonymous variant.
Genome position (GRCh38, 1-based): chr3:50,271,153, C>T. VCF-style: chr3-50271153-C-T. GRCh37 (hg19) VCF-style: chr3-50308584-C-T.
Other names: c.516C>T, p.Pro172= (NM_001005914.3, NM_001290061.1, NM_001435956.1 and 3 more transcripts).
Identifiers: ClinVar variation 4989798 (VCV004989798.1).

ClinVar aggregate classification (germline): Likely benign (1 of 4 stars; one submission).

Conditions:
SEMA3B-related disorder. Also called: SEMA3B-related condition.

Submission:

PreventionGenetics, part of Exact Sciences
Classification: Likely benign for SEMA3B-related condition. Last evaluated: 2026-05-22. Review status: criteria provided, single submitter. Criteria: ACMG Guidelines, 2015. Collection method: clinical testing. Allele origin: germline.
Comment: This variant is classified as likely benign based on ACMG/AMP sequence variant interpretation guidelines (Richards et al. 2015 PMID: 25741868, with internal and published modifications).